The following is an entry in ClinVar:

NM_000322.5(PRPH2):c.829-1G>A

Gene: PRPH2 (peripherin 2; minus strand). Cytogenetic location: 6p21.1.
Variant type: single nucleotide variant.
Coding change: c.829-1G>A on transcript NM_000322.5 (MANE Select); the canonical splice acceptor site of the intron before coding-DNA position 829, G replaced by A.
Molecular consequence: splice acceptor variant.
Genome position (GRCh38, 1-based): chr6:42,698,508, C>T on the plus strand (G>A on the coding strand, the complement: PRPH2 is on the minus strand). VCF-style: chr6-42698508-C-T. GRCh37 (hg19) VCF-style: chr6-42666246-C-T.
Identifiers: ClinVar variation 829860 (VCV000829860.8), dbSNP rs1582759782, ClinGen allele CA364133600.

ClinVar aggregate classification (germline): Conflicting classifications of pathogenicity. Review status: criteria provided, conflicting classifications (1 of 4 stars). 3 submissions from 3 submitters: Likely pathogenic (1); Uncertain significance (1). 1 of the submissions does not count toward it. Last evaluated 2021-12-08.

Conditions:
Adult-onset foveomacular vitelliform dystrophy. Also called: FOVEOMACULAR DYSTROPHY, ADULT-ONSET; FOVEOMACULAR DYSTROPHY, ADULT-ONSET, WITH OR WITHOUT CHOROIDAL NEOVASCULARIZATION; Adult onset vitelliform dystrophy. Identifiers: Orphanet 99000, MedGen C1842914, MONDO:0011979.
PRPH2-related disorder. Also called: PRPH2-related condition; PRPH2-related disorders. Identifiers: MedGen CN239395.

Submissions (3):

Labcorp Genetics (formerly Invitae), Labcorp
Classification: Uncertain significance for PRPH2-related disorder. Last evaluated: 2021-12-08. Review status: criteria provided, single submitter. Criteria: Invitae Variant Classification Sherloc (09022015). Collection method: clinical testing. Allele origin: germline.
Comment: In summary, the available evidence is currently insufficient to determine the role of this variant in disease. Therefore, it has been classified as a Variant of Uncertain Significance. Variants that disrupt the consensus splice site are a relatively common cause of aberrant splicing (PMID: 17576681, 9536098). Algorithms developed to predict the effect of sequence changes on RNA splicing suggest that this variant may disrupt the consensus splice site. ClinVar contains an entry for this variant (Variation ID: 829860). This variant has not been reported in the literature in individuals affected with PRPH2-related conditions. This variant is not present in population databases (gnomAD no frequency). This sequence change affects an acceptor splice site in intron 2 of the PRPH2 gene. While this variant is not anticipated to result in nonsense mediated decay, it likely alters RNA splicing and results in a disrupted protein product.

Blueprint Genetics
Classification: Likely pathogenic for PRPH2-related disorders. Last evaluated: 2021-06-15. Review status: criteria provided, single submitter. Criteria: ACMG Guidelines, 2015. Collection method: clinical testing. Allele origin: germline. Affected: yes. Observed: 1 variant allele.

Bioscientia Institut fuer Medizinische Diagnostik GmbH, Sonic Healthcare
Classification: Likely pathogenic for Vitelliform macular dystrophy 3. Last evaluated: 2019-06-05. Review status: no assertion criteria provided. Collection method: clinical testing. Allele origin: germline. Affected: yes. Not counted in ClinVar's aggregate classification.

Literature cited by the submitters: PubMed 17576681 (cited by Labcorp Genetics (formerly Invitae), Labcorp); PubMed 9536098 (cited by Labcorp Genetics (formerly Invitae), Labcorp).